The following is an entry in ClinVar:

NM_000171.4(GLRA1):c.139G>A (p.Gly47Arg)

Gene: GLRA1 (glycine receptor alpha 1; minus strand). Cytogenetic location: 5q33.1.
Variant type: single nucleotide variant.
Coding change: c.139G>A on transcript NM_000171.4 (MANE Select); coding-DNA position 139, G replaced by A.
Protein change: p.Gly47Arg; replaces glycine 47 with arginine.
Molecular consequence: missense variant. On other transcripts: intron variant (1).
Genome position (GRCh38, 1-based): chr5:151,892,356, C>T on the plus strand (G>A on the coding strand, the complement: GLRA1 is on the minus strand). VCF-style: chr5-151892356-C-T. GRCh37 (hg19) VCF-style: chr5-151271917-C-T.
Other names: c.139G>A, p.Gly47Arg (NM_001146040.2); c.-65-5568G>A (NM_001292000.2); short protein forms G47R.
Identifiers: ClinVar variation 429587 (VCV000429587.9), dbSNP rs759998394, ClinGen allele CA3523767.

ClinVar aggregate classification (germline): Conflicting classifications of pathogenicity. Review status: criteria provided, conflicting classifications (1 of 4 stars). 2 submissions from 2 submitters: Likely pathogenic (1); Uncertain significance (1). Last evaluated 2025-10-26.

Conditions:
Hereditary hyperekplexia. Identifiers: Orphanet 3197, MedGen C4084968, MONDO:0021022.

Allele frequency attached by ClinVar (database versions not stated): gnomAD exomes below 0.00001; ExAC 0.00001.
gnomAD v4.1: 2 of 1,614,036 alleles (0.00012%); highest among the groups gnomAD compares: Non-Finnish European, 0.00017%; no homozygotes.

Submissions (2):

Labcorp Genetics (formerly Invitae), Labcorp
Classification: Uncertain significance for Hereditary hyperekplexia. Last evaluated: 2025-10-26. Review status: criteria provided, single submitter. Criteria: Invitae Variant Classification Sherloc (09022015). Collection method: clinical testing. Allele origin: germline.
Comment: This sequence change replaces glycine, which is neutral and non-polar, with arginine, which is basic and polar, at codon 47 of the GLRA1 protein (p.Gly47Arg). This variant is present in population databases (rs759998394, gnomAD 0.002%). This variant has not been reported in the literature in individuals affected with GLRA1-related conditions. ClinVar contains an entry for this variant (Variation ID: 429587). Invitae Evidence Modeling of protein sequence and biophysical properties (such as structural, functional, and spatial information, amino acid conservation, physicochemical variation, residue mobility, and thermodynamic stability) has been performed for this missense variant. However, the output from this modeling did not meet the statistical confidence thresholds required to predict the impact of this variant on GLRA1 protein function. In summary, the available evidence is currently insufficient to determine the role of this variant in disease. Therefore, it has been classified as a Variant of Uncertain Significance.

GeneDx
Classification: Likely pathogenic. Last evaluated: 2015-10-27. Review status: criteria provided, single submitter. Criteria: GeneDx Variant Classification (06012015). Collection method: clinical testing. Allele origin: germline. Affected: yes.
Comment: The G47R variant in the GLRA1 gene has not been reported previously as a pathogenic variant, nor as a benign variant, to our knowledge. The G47R variant was not observed in approximately 6,500 individuals of European and African American ancestry in the NHLBI Exome Sequencing Project, indicating it is not a common benign variant in these populations. The G47R variant is a non-conservative amino acid substitution, which is likely to impact secondary protein structure as these residues differ in polarity, charge, size and/or other properties. This substitution occurs at a position that is conserved across species. In silico analysis is inconsistent in its predictions as to whether or not the variant is damaging to the protein structure/function. The G47R variant is a strong candidate for a pathogenic variant, however the possibility it may be a rare benign variant cannot be excluded